The following is an entry in ClinVar:

NM_024675.4(PALB2):c.2569T>C (p.Leu857=)

Gene: PALB2 (partner and localizer of BRCA2; minus strand). Cytogenetic location: 16p12.2.
Variant type: single nucleotide variant.
Coding change: c.2569T>C on transcript NM_024675.4 (MANE Select); coding-DNA position 2569, T replaced by C.
Protein change: p.Leu857=; no amino-acid change (leucine 857 retained).
Molecular consequence: synonymous variant.
Genome position (GRCh38, 1-based): chr16:23,629,221, A>G on the plus strand (T>C on the coding strand, the complement: PALB2 is on the minus strand). VCF-style: chr16-23629221-A-G. GRCh37 (hg19) VCF-style: chr16-23640542-A-G.
Identifiers: ClinVar variation 184722 (VCV000184722.17), dbSNP rs786201642, ClinGen allele CA189851.

ClinVar aggregate classification (germline): Benign/Likely benign. Review status: criteria provided, multiple submitters, no conflicts (2 of 4 stars). 4 submissions from 4 submitters: Benign (1); Likely benign (3). Last evaluated 2025-02-06.

Conditions:
Hereditary cancer-predisposing syndrome. Also called: Tumor predisposition; Neoplastic Syndromes, Hereditary; Hereditary neoplastic syndrome; Hereditary Cancer Syndrome. Identifiers: Orphanet 140162, MedGen C0027672, MeSH D009386, MONDO:0015356.
Familial cancer of breast. Also called: BREAST CANCER, FAMILIAL; hereditary breast carcinoma; Hereditary breast cancer. Identifiers: Orphanet 227535, MedGen C0346153, MONDO:0016419, OMIM 114480. Disease mechanism: loss of function.

Allele frequency attached by ClinVar (database versions not stated): gnomAD 0.00001; TOPMed 0.00001.
gnomAD v4.1: 1 of 1,613,316 alleles (0.000062%); highest among the groups gnomAD compares: Non-Finnish European, 0.000085%; no homozygotes.

Submissions (4):

Labcorp Genetics (formerly Invitae), Labcorp
Classification: Likely benign for Familial cancer of breast. Last evaluated: 2025-02-06. Review status: criteria provided, single submitter. Criteria: Invitae Variant Classification Sherloc (09022015). Collection method: clinical testing. Allele origin: germline.

Myriad Genetics, Inc.
Classification: Benign for Familial cancer of breast. Last evaluated: 2025-01-16. Review status: criteria provided, single submitter. Criteria: Myriad Autosomal Dominant, Autosomal Recessive and X-Linked Classification Criteria (2023). Collection method: clinical testing. Allele origin: unknown.
Comment: This variant is considered benign. This variant is a silent/synonymous amino acid change and it is not expected to impact splicing.

Blueprint Genetics
Classification: Likely benign. Last evaluated: 2022-07-06. Review status: criteria provided, single submitter. Criteria: ACMG Guidelines, 2015. Collection method: clinical testing. Allele origin: germline.

Ambry Genetics
Classification: Likely benign for Hereditary cancer-predisposing syndrome. Last evaluated: 2020-12-10. Review status: criteria provided, single submitter. Criteria: Ambry Variant Classification Scheme 2023. Collection method: clinical testing. Allele origin: germline.